The following is an entry in ClinVar:

ClinVar aggregate classification (germline): Uncertain significance (1 of 4 stars; one submission).

Submission:

Labcorp Genetics (formerly Invitae), Labcorp
Classification: Uncertain significance. Last evaluated: 2021-07-28. Review status: criteria provided, single submitter. Criteria: Invitae Variant Classification Sherloc (09022015). Collection method: clinical testing. Allele origin: germline.
Comment: In summary, the available evidence is currently insufficient to determine the role of this variant in disease. Therefore, it has been classified as a Variant of Uncertain Significance. Algorithms developed to predict the effect of missense changes on protein structure and function (SIFT, PolyPhen-2, Align-GVGD) all suggest that this variant is likely to be tolerated. This variant has not been reported in the literature in individuals affected with ABCD3-related conditions. This variant is not present in population databases (ExAC no frequency). This sequence change replaces alanine with valine at codon 235 of the ABCD3 protein (p.Ala235Val). The alanine residue is moderately conserved and there is a small physicochemical difference between alanine and valine.

NM_002858.4(ABCD3):c.704C>T (p.Ala235Val)

Gene: ABCD3 (ATP binding cassette subfamily D member 3; plus strand). Cytogenetic location: 1p21.3.
Variant type: single nucleotide variant.
Coding change: c.704C>T on transcript NM_002858.4 (MANE Select); coding-DNA position 704, C replaced by T.
Protein change: p.Ala235Val; replaces alanine 235 with valine.
Molecular consequence: missense variant.
Genome position (GRCh38, 1-based): chr1:94,480,483, C>T. VCF-style: chr1-94480483-C-T. GRCh37 (hg19) VCF-style: chr1-94946039-C-T.
Other names: short protein forms A235V.
Identifiers: ClinVar variation 1360259 (VCV001360259.6), dbSNP rs2101006166, ClinGen allele CA341301728.